The following is an entry in ClinVar:

NM_006019.4(TCIRG1):c.1883G>A (p.Arg628Gln)

Gene: TCIRG1 (T cell immune regulator 1, ATPase H+ transporting V0 subunit a3; plus strand). Cytogenetic location: 11q13.2.
Variant type: single nucleotide variant.
Coding change: c.1883G>A on transcript NM_006019.4 (MANE Select); coding-DNA position 1883, G replaced by A.
Protein change: p.Arg628Gln; replaces arginine 628 with glutamine.
Molecular consequence: missense variant.
Genome position (GRCh38, 1-based): chr11:68,049,290, G>A. VCF-style: chr11-68049290-G-A. GRCh37 (hg19) VCF-style: chr11-67816757-G-A.
Other names: c.1883G>A (NM_006019.3); c.989G>A, p.Arg330Gln (NM_001351059.2); c.1235G>A, p.Arg412Gln (NM_006053.4); short protein forms R330Q, R412Q, R628Q.
Identifiers: ClinVar variation 991506 (VCV000991506.8), dbSNP rs201661352, ClinGen allele CA6147287.
Genomic context (GRCh38, chr11:68,049,290, plus strand): 5'-TCCACTTCATCAACATGTTCCTCTTCTCCCACAGCCCCAGCAACAGGCTGCTCTACCCCC[G>A]GCAGGTGGGCTGCGGCTGGTGGGGGCCGGGCTCACACGGCCTCATGGGGACCCCGCGGTC-3'
Protein context (NP_006010.2, residues 618-638): HSPSNRLLYP[Arg628Gln]QEVVQATLVV

ClinVar aggregate classification (germline): Uncertain significance. Review status: criteria provided, multiple submitters, no conflicts (2 of 4 stars). 4 submissions from 4 submitters: Uncertain significance (3). 1 of the submissions does not count toward it. Last evaluated 2025-02-02.

Conditions:
Inborn genetic diseases. Identifiers: MedGen C0950123, MeSH D030342.
Autosomal recessive osteopetrosis 1. Also called: ALBERS-SCHONBERG DISEASE, AUTOSOMAL RECESSIVE; TCIRG1-Related Osteopetrosis; TCIRG1-Related Autosomal Recessive Osteopetrosis. Identifiers: Orphanet 667, MedGen C1850127, MONDO:0009815, OMIM 259700.

Allele frequency attached by ClinVar (database versions not stated): gnomAD exomes 0.00015 and 0.00014; TOPMed 0.00016; ExAC 0.00020; ESP Exome Variant Server 0.00008; gnomAD 0.00020 and 0.00021; 1000 Genomes Project 30x 0.00031; 1000 Genomes Project 0.00040.
gnomAD v4.1: 237 of 1,607,076 alleles (0.015%); highest among the groups gnomAD compares: South Asian, 0.036%; no homozygotes.

Submissions (4):

Labcorp Genetics (formerly Invitae), Labcorp
Classification: Uncertain significance. Last evaluated: 2025-02-02. Review status: criteria provided, single submitter. Criteria: Invitae Variant Classification Sherloc (09022015). Collection method: clinical testing. Allele origin: germline.
Comment: This sequence change replaces arginine, which is basic and polar, with glutamine, which is neutral and polar, at codon 628 of the TCIRG1 protein (p.Arg628Gln). This variant is present in population databases (rs201661352, gnomAD 0.05%). This variant has not been reported in the literature in individuals affected with TCIRG1-related conditions. ClinVar contains an entry for this variant (Variation ID: 991506). Invitae Evidence Modeling of protein sequence and biophysical properties (such as structural, functional, and spatial information, amino acid conservation, physicochemical variation, residue mobility, and thermodynamic stability) indicates that this missense variant is not expected to disrupt TCIRG1 protein function with a negative predictive value of 80%. In summary, the available evidence is currently insufficient to determine the role of this variant in disease. Therefore, it has been classified as a Variant of Uncertain Significance.

Ambry Genetics
Classification: Uncertain significance for Inborn genetic diseases. Last evaluated: 2024-07-16. Review status: criteria provided, single submitter. Criteria: Ambry Variant Classification Scheme 2023. Collection method: clinical testing. Allele origin: germline.

Fulgent Genetics
Classification: Uncertain significance for Autosomal recessive osteopetrosis 1. Last evaluated: 2022-04-26. Review status: criteria provided, single submitter. Criteria: ACMG Guidelines, 2015. Collection method: clinical testing. Allele origin: unknown.

Natera, Inc.
Classification: Uncertain significance for Infantile malignant osteopetrosis. Last evaluated: 2020-04-16. Review status: no assertion criteria provided. Collection method: clinical testing. Allele origin: germline. Not counted in ClinVar's aggregate classification.